The following is an entry in ClinVar:

ClinVar aggregate classification (germline): Pathogenic. Review status: criteria provided, multiple submitters, no conflicts (2 of 4 stars). 2 submissions from 2 submitters: Pathogenic (2). Last evaluated 2026-04-22.

Conditions:
Cranioectodermal dysplasia 2 (CED2). Identifiers: Orphanet 1515, MedGen C3150874, MONDO:0013323, OMIM 613610.
WDR35-related disorder. Also called: WDR35-related condition; WDR35-related disorders. Identifiers: MedGen CN239419.

Submissions (2):

PreventionGenetics, part of Exact Sciences
Classification: Pathogenic for WDR35-related condition. Last evaluated: 2026-04-22. Review status: criteria provided, single submitter. Criteria: ACMG Guidelines, 2015. Collection method: clinical testing. Allele origin: germline.
Comment: The WDR35 c.2023C>T variant is predicted to result in premature protein termination (p.Arg675*). This variant was reported in the compound heterozygous state in an individual with Sensenbrenner syndrome (Quinaux et al. 2021. PubMed ID: 33606107). This variant is reported in 0.0054% of alleles in individuals of European (Non-Finnish) descent in gnomAD. Nonsense variants in WDR35 are expected to be pathogenic. This variant is interpreted as pathogenic.

Juno Genomics, Hangzhou Juno Genomics, Inc
Classification: Pathogenic for Cranioectodermal dysplasia 2. Review status: criteria provided, single submitter. Criteria: ACMG Guidelines, 2015. Collection method: clinical testing. Allele origin: germline. Affected: yes.
Comment: Absent from controls (or at extremely low frequency if recessive) in Genome Aggregation Database, Exome Sequencing Project, 1000 Genomes Project, or Exome Aggregation Consortium.;Null variant in a gene where loss of function (LOF) is a known mechanism of disease.;For recessive disorders, detected in trans with a pathogenic variant.;Patient's phenotype or family history is highly specific for a disease with a single genetic etiology.;Co-segregation with disease in multiple affected family members in a gene definitively known to cause the disease.

NM_020779.4(WDR35):c.1990C>T (p.Arg664Ter)

Gene: WDR35 (WD repeat domain 35; minus strand). Cytogenetic location: 2p24.1.
Variant type: single nucleotide variant.
Coding change: c.1990C>T on transcript NM_020779.4 (MANE Select); coding-DNA position 1990, C replaced by T.
Protein change: p.Arg664Ter; replaces arginine 664 with a stop codon.
Molecular consequence: nonsense.
Genome position (GRCh38, 1-based): chr2:19,938,338, G>A on the plus strand (C>T on the coding strand, the complement: WDR35 is on the minus strand). VCF-style: chr2-19938338-G-A. GRCh37 (hg19) VCF-style: chr2-20138099-G-A.
Other names: c.2023C>T, p.Arg675Ter (NM_001006657.2); c.2023C>T (NM_001006657.1); short protein forms R664*, R675*.
Identifiers: ClinVar variation 4796627 (VCV004796627.2).
Genomic context (GRCh38, chr2:19,938,338, plus strand): 5'-GTGGATTGTCCTCTATGAACTGAGATGCATCTTTAATTCCAACCTTCTCAATCAGTGCTC[G>A]GCTATCTCGCAGAGACCGAATCTCAAAGTTAATTAGGTAATCCTTGTTTGGATGTTCTGG-3'